The following is an entry in ClinVar:

ClinVar aggregate classification (germline): Likely benign (0 of 4 stars; one submission).

Conditions:
PLXNA2-related disorder. Also called: PLXNA2-related condition.

Submission:

PreventionGenetics, part of Exact Sciences
Classification: Likely benign for PLXNA2-related condition. Last evaluated: 2022-08-02. Review status: no assertion criteria provided. Collection method: clinical testing. Allele origin: germline.
Comment: This variant is classified as likely benign based on ACMG/AMP sequence variant interpretation guidelines (Richards et al. 2015 PMID: 25741868, with internal and published modifications).

NM_025179.4(PLXNA2):c.3903T>C (p.Asn1301=)

Gene: PLXNA2 (plexin A2; minus strand). Cytogenetic location: 1q32.2.
Variant type: single nucleotide variant.
Coding change: c.3903T>C on transcript NM_025179.4 (MANE Select); coding-DNA position 3903, T replaced by C.
Protein change: p.Asn1301=; no amino-acid change (asparagine 1301 retained).
Molecular consequence: synonymous variant.
Genome position (GRCh38, 1-based): chr1:208,043,175, A>G on the plus strand (T>C on the coding strand, the complement: PLXNA2 is on the minus strand). VCF-style: chr1-208043175-A-G. GRCh37 (hg19) VCF-style: chr1-208216520-A-G.
Identifiers: ClinVar variation 3353562 (VCV003353562.1).